The following is an entry in ClinVar:

ClinVar aggregate classification (germline): Conflicting classifications of pathogenicity. Review status: criteria provided, conflicting classifications (1 of 4 stars). 2 submissions from 2 submitters: Uncertain significance (1); Benign (1). Last evaluated 2022-10-01.

Allele frequency attached by ClinVar (database versions not stated): gnomAD 0.00038; TOPMed 0.00038.

Submissions (2):

CeGaT Center for Human Genetics Tuebingen
Classification: Benign. Last evaluated: 2022-10-01. Review status: criteria provided, single submitter. Criteria: CeGaT Center For Human Genetics Tuebingen Variant Classification Criteria Version 2. Collection method: clinical testing. Allele origin: germline. Affected: yes. Observed: 1 variant allele.
Comment: COL5A2: BS1, BS2

Breakthrough Genomics
Classification: Uncertain significance. Review status: criteria provided, single submitter. Criteria: ACMG Guidelines, 2015. Collection method: not provided. Allele origin: germline. Inheritance: Autosomal dominant inheritance. Affected: yes.

NM_000393.5(COL5A2):c.*904A>C

Gene: COL5A2 (collagen type V alpha 2 chain; minus strand). Cytogenetic location: 2q32.2.
Variant type: single nucleotide variant.
Coding change: c.*904A>C on transcript NM_000393.5 (MANE Select); 904 bases downstream of the stop codon, A replaced by C.
Molecular consequence: 3 prime UTR variant.
Genome position (GRCh38, 1-based): chr2:189,033,166, T>G on the plus strand (A>C on the coding strand, the complement: COL5A2 is on the minus strand). VCF-style: chr2-189033166-T-G. GRCh37 (hg19) VCF-style: chr2-189897892-T-G.
Identifiers: ClinVar variation 333111 (VCV000333111.35), dbSNP rs778818824, ClinGen allele CA10612189.